The following is an entry in ClinVar:

NM_183357.3(ADCY5):c.503G>A (p.Arg168His)

Gene: ADCY5 (adenylate cyclase 5; minus strand). Cytogenetic location: 3q21.1.
Variant type: single nucleotide variant.
Coding change: c.503G>A on transcript NM_183357.3 (MANE Select); coding-DNA position 503, G replaced by A.
Protein change: p.Arg168His; replaces arginine 168 with histidine.
Molecular consequence: missense variant.
Genome position (GRCh38, 1-based): chr3:123,448,043, C>T on the plus strand (G>A on the coding strand, the complement: ADCY5 is on the minus strand). VCF-style: chr3-123448043-C-T. GRCh37 (hg19) VCF-style: chr3-123166890-C-T.
Other names: c.503G>A, p.Arg168His (NM_001378259.1); short protein forms R168H.
Identifiers: ClinVar variation 1030446 (VCV001030446.1), dbSNP rs1576704455, ClinGen allele CA354357598.

ClinVar aggregate classification (germline): Uncertain significance (1 of 4 stars; one submission).

Conditions:
Dyskinesia with orofacial involvement, autosomal dominant (DSKOD). Also called: Familial dyskinesia and facial myokymia; Dyskinesia, familial, with facial myokymia; Familial Dyskinesia with Facial Myokymia (FDFM). Identifiers: Orphanet 324588, MedGen C1847627, MONDO:0800028, OMIM 606703.

Allele frequency attached by ClinVar (database versions not stated): gnomAD exomes below 0.00001.

Submission:

Baylor Genetics
Classification: Uncertain significance for Dyskinesia with orofacial involvement, autosomal dominant. Last evaluated: 2019-09-26. Review status: criteria provided, single submitter. Criteria: ACMG Guidelines, 2015. Collection method: clinical testing. Allele origin: unknown. Affected: yes.
Comment: This variant was determined to be of uncertain significance according to ACMG Guidelines, 2015 [PMID:25741868].